The following is an entry in ClinVar:

NM_006393.3(NEBL):c.1997C>T (p.Pro666Leu)

Gene: NEBL (nebulette; minus strand). Cytogenetic location: 10p12.31.
Variant type: single nucleotide variant.
Coding change: c.1997C>T on transcript NM_006393.3 (MANE Select); coding-DNA position 1997, C replaced by T.
Protein change: p.Pro666Leu; replaces proline 666 with leucine.
Molecular consequence: missense variant. On other transcripts: intron variant (9).
Genome position (GRCh38, 1-based): chr10:20,819,482, G>A on the plus strand (C>T on the coding strand, the complement: NEBL is on the minus strand). VCF-style: chr10-20819482-G-A. GRCh37 (hg19) VCF-style: chr10-21108411-G-A.
Other names: c.250-6542C>T (NM_001377326.1, NM_001377327.1, NM_001377328.1); c.358-6542C>T (NM_213569.2, NM_001173484.2, NM_001377322.1); c.301-6542C>T (NM_001377324.1); c.292-6542C>T (NM_001377325.1); c.310-6542C>T (NM_001377323.1); short protein forms P666L.
Identifiers: ClinVar variation 450413 (VCV000450413.16), dbSNP rs771905060, ClinGen allele CA5432656.

ClinVar aggregate classification (germline): Uncertain significance. Review status: criteria provided, multiple submitters, no conflicts (2 of 4 stars). 3 submissions from 3 submitters: Uncertain significance (3). Last evaluated 2025-06-25.

Conditions:
Primary dilated cardiomyopathy (DCM). Also called: Dilated Cardiomyopathy. Identifiers: Orphanet 217604, MedGen C0007193, MeSH D002311, MONDO:0005021, HP:0001644. Inheritance: Various modes of inheritance.

Allele frequency attached by ClinVar (database versions not stated): ExAC 0.00003; gnomAD 0.00003 and 0.00004; gnomAD exomes 0.00003 and 0.00004; TOPMed 0.00003.
gnomAD v4.1: 66 of 1,613,924 alleles (0.0041%); highest among the groups gnomAD compares: Middle Eastern, 0.016%; no homozygotes.

Submissions (3):

Ambry Genetics
Classification: Uncertain significance. Last evaluated: 2025-06-25. Review status: criteria provided, single submitter. Criteria: Ambry Variant Classification Scheme 2023. Collection method: clinical testing. Allele origin: germline.

Labcorp Genetics (formerly Invitae), Labcorp
Classification: Uncertain significance for Primary dilated cardiomyopathy. Last evaluated: 2024-10-08. Review status: criteria provided, single submitter. Criteria: Invitae Variant Classification Sherloc (09022015). Collection method: clinical testing. Allele origin: germline.
Comment: This sequence change replaces proline, which is neutral and non-polar, with leucine, which is neutral and non-polar, at codon 666 of the NEBL protein (p.Pro666Leu). This variant is present in population databases (rs771905060, gnomAD 0.006%). This variant has not been reported in the literature in individuals affected with NEBL-related conditions. ClinVar contains an entry for this variant (Variation ID: 450413). An algorithm developed to predict the effect of missense changes on protein structure and function (PolyPhen-2) suggests that this variant is likely to be disruptive. In summary, the available evidence is currently insufficient to determine the role of this variant in disease. Therefore, it has been classified as a Variant of Uncertain Significance.

GeneDx
Classification: Uncertain significance. Last evaluated: 2017-07-11. Review status: criteria provided, single submitter. Criteria: GeneDx Variant Classification (06012015). Collection method: clinical testing. Allele origin: germline. Affected: yes.
Comment: A variant of uncertain significance has been identified in the NEBL gene. The P666L variant has not been published as pathogenic or been reported as benign to our knowledge. This variant is not observed at a significant frequency in large population cohorts (Lek et al., 2016; 1000 Genomes Consortium et al., 2015; Exome Variant Server). The P666L variant is a semi-conservative amino acid substitution, which may impact secondary protein structure as these residues differ in some properties. In silico analysis predicts this variant is probably damaging to the protein structure/function. However, this substitution occurs at a position that is not conserved across species and where leucine (L) is present as the wild type in at least two species.